The following is an entry in ClinVar:

ClinVar aggregate classification (germline): Uncertain significance (1 of 4 stars; one submission).

Conditions:
Hereditary cancer-predisposing syndrome. Also called: Neoplastic Syndromes, Hereditary; Tumor predisposition; Hereditary Cancer Syndrome; Hereditary neoplastic syndrome. Identifiers: Orphanet 140162, MedGen C0027672, MeSH D009386, MONDO:0015356.

Allele frequency attached by ClinVar (database versions not stated): gnomAD exomes 0.00001.

Submission:

Ambry Genetics
Classification: Uncertain significance for Hereditary cancer-predisposing syndrome. Last evaluated: 2021-06-29. Review status: criteria provided, single submitter. Criteria: Ambry Variant Classification Scheme 2023. Collection method: clinical testing. Allele origin: germline.
Comment: The p.V122A variant (also known as c.365T>C), located in coding exon 4 of the NF2 gene, results from a T to C substitution at nucleotide position 365. The valine at codon 122 is replaced by alanine, an amino acid with similar properties. This amino acid position is highly conserved in available vertebrate species. In addition, this alteration is predicted to be deleterious by in silico analysis. Since supporting evidence is limited at this time, the clinical significance of this alteration remains unclear.

NM_000268.4(NF2):c.365T>C (p.Val122Ala)

Gene: NF2 (NF2, moesin-ezrin-radixin like (MERLIN) tumor suppressor; plus strand). Cytogenetic location: 22q12.2.
Variant type: single nucleotide variant.
Coding change: c.365T>C on transcript NM_000268.4 (MANE Select); coding-DNA position 365, T replaced by C.
Protein change: p.Val122Ala; replaces valine 122 with alanine.
Molecular consequence: missense variant. On other transcripts: non-coding transcript variant (1).
Genome position (GRCh38, 1-based): chr22:29,642,203, T>C. VCF-style: chr22-29642203-T-C. GRCh37 (hg19) VCF-style: chr22-30038192-T-C.
Other names: c.251T>C, p.Val84Ala (NM_001407053.1, NM_001407056.1); c.242T>C, p.Val81Ala (NM_001407054.1, NM_001407058.1, NM_001407062.1 and 1 more transcripts); c.239T>C, p.Val80Ala (NM_001407055.1, NM_181828.3); c.365T>C, p.Val122Ala (NM_001407057.1, NM_001407059.1, NM_001407060.1 and 5 more transcripts); c.116T>C, p.Val39Ala (NM_001407063.1, NM_001407064.1, NM_181830.3 and 1 more transcripts); c.-276T>C (NM_001407065.1); c.134T>C, p.Val45Ala (NM_001407067.1); short protein forms V80A, V81A, V39A, V45A, V84A, V122A.
Identifiers: ClinVar variation 1733676 (VCV001733676.2), dbSNP rs2518463145, ClinGen allele CA411153713.